The following is an entry in ClinVar:

NM_000051.4(ATM):c.2143C>G (p.Leu715Val)

Gene: ATM (ATM serine/threonine kinase; plus strand). Cytogenetic location: 11q22.3.
Variant type: single nucleotide variant.
Coding change: c.2143C>G on transcript NM_000051.4 (MANE Select); coding-DNA position 2143, C replaced by G.
Protein change: p.Leu715Val; replaces leucine 715 with valine.
Molecular consequence: missense variant.
Genome position (GRCh38, 1-based): chr11:108,256,233, C>G. VCF-style: chr11-108256233-C-G. GRCh37 (hg19) VCF-style: chr11-108126960-C-G.
Other names: c.2143C>G, p.Leu715Val (NM_001351834.2); short protein forms L715V.
Identifiers: ClinVar variation 924972 (VCV000924972.16), dbSNP rs758864982, ClinGen allele CA6264954.

ClinVar aggregate classification (germline): Uncertain significance. Review status: criteria provided, multiple submitters, no conflicts (2 of 4 stars). 4 submissions from 4 submitters: Uncertain significance (4). Last evaluated 2024-06-10.

Conditions:
Hereditary cancer-predisposing syndrome. Also called: Hereditary Cancer Syndrome; Hereditary neoplastic syndrome; Neoplastic Syndromes, Hereditary; Tumor predisposition. Identifiers: Orphanet 140162, MedGen C0027672, MeSH D009386, MONDO:0015356.
Familial cancer of breast. Also called: hereditary breast carcinoma; BREAST CANCER, FAMILIAL; Hereditary breast cancer. Identifiers: Orphanet 227535, MedGen C0346153, MONDO:0016419, OMIM 114480. Disease mechanism: loss of function.
Ataxia-telangiectasia syndrome (AT). Also called: Ataxia-telangiectasia, complementation group E; LOUIS-BAR SYNDROME; Cerebello-oculocutaneous telangiectasia; Immunodeficiency with ataxia telangiectasia; Ataxia-telangiectasia, complementation group D; AT, COMPLEMENTATION GROUP C. Identifiers: Orphanet 100, MedGen C0004135, MONDO:0008840, OMIM 208900.

Allele frequency attached by ClinVar (database versions not stated): ExAC 0.00001.

Submissions (4):

Labcorp Genetics (formerly Invitae), Labcorp
Classification: Uncertain significance for Ataxia-telangiectasia syndrome. Last evaluated: 2024-06-10. Review status: criteria provided, single submitter. Criteria: Invitae Variant Classification Sherloc (09022015). Collection method: clinical testing. Allele origin: germline.
Comment: This sequence change replaces leucine, which is neutral and non-polar, with valine, which is neutral and non-polar, at codon 715 of the ATM protein (p.Leu715Val). This variant is not present in population databases (gnomAD no frequency). This variant has not been reported in the literature in individuals affected with ATM-related conditions. ClinVar contains an entry for this variant (Variation ID: 924972). An algorithm developed to predict the effect of missense changes on protein structure and function (PolyPhen-2) suggests that this variant is likely to be tolerated. In summary, the available evidence is currently insufficient to determine the role of this variant in disease. Therefore, it has been classified as a Variant of Uncertain Significance.

Fulgent Genetics
Classification: Uncertain significance for Familial cancer of breast; Ataxia-telangiectasia syndrome. Last evaluated: 2024-03-13. Review status: criteria provided, single submitter. Criteria: ACMG Guidelines, 2015. Collection method: clinical testing. Allele origin: germline.

Color Diagnostics, LLC DBA Color Health
Classification: Uncertain significance for Hereditary cancer-predisposing syndrome. Last evaluated: 2023-12-04. Review status: criteria provided, single submitter. Criteria: ACMG Guidelines, 2015. Collection method: clinical testing. Allele origin: germline.
Comment: This missense variant replaces leucine with valine at codon 715 of the ATM protein. Computational prediction tools and conservation analyses are inconclusive regarding the impact of this variant on protein structure and function. Splice site prediction tools suggest that this variant may not impact RNA splicing. To our knowledge, functional studies have not been performed for this variant. This variant has not been reported in individuals affected with hereditary cancer in the literature. This variant has not been identified in the general population by the Genome Aggregation Database (gnomAD). The available evidence is insufficient to determine the role of this variant in disease conclusively. Therefore, this variant is classified as a Variant of Uncertain Significance.

Ambry Genetics
Classification: Uncertain significance for Hereditary cancer-predisposing syndrome. Last evaluated: 2023-03-30. Review status: criteria provided, single submitter. Criteria: Ambry Variant Classification Scheme 2023. Collection method: clinical testing. Allele origin: germline.
Comment: The p.L715V variant (also known as c.2143C>G), located in coding exon 13 of the ATM gene, results from a C to G substitution at nucleotide position 2143. The leucine at codon 715 is replaced by valine, an amino acid with highly similar properties. This amino acid position is highly conserved in available vertebrate species. In addition, this alteration is predicted to be tolerated by in silico analysis. Since supporting evidence is limited at this time, the clinical significance of this alteration remains unclear.